The following is an entry in ClinVar:

ClinVar aggregate classification (germline): Uncertain significance. Review status: criteria provided, multiple submitters, no conflicts (2 of 4 stars). 2 submissions from 2 submitters: Uncertain significance (2). Last evaluated 2023-10-17.

Conditions:
DICER1-related tumor predisposition. Also called: DICER1 syndrome; DICER1-related pleuropulmonary blastoma cancer predisposition syndrome. Identifiers: Orphanet 284343, MedGen C3839822, MONDO:0100216.
Global developmental delay - lung cysts - overgrowth - Wilms tumor syndrome. Also called: GLOBAL DEVELOPMENTAL DELAY, LUNG CYSTS, OVERGROWTH, AND WILMS TUMOR; GLOW Syndrome. Identifiers: Orphanet 404476, MedGen C4748924, MONDO:0018445, OMIM 618272.

Submissions (2):

Baylor Genetics
Classification: Uncertain significance for Global developmental delay - lung cysts - overgrowth - Wilms tumor syndrome. Last evaluated: 2023-10-17. Review status: criteria provided, single submitter. Criteria: ACMG Guidelines, 2015. Collection method: clinical testing. Allele origin: unknown.

Labcorp Genetics (formerly Invitae), Labcorp
Classification: Uncertain significance for DICER1-related tumor predisposition. Last evaluated: 2021-11-09. Review status: criteria provided, single submitter. Criteria: Invitae Variant Classification Sherloc (09022015). Collection method: clinical testing. Allele origin: germline.
Comment: This variant has not been reported in the literature in individuals affected with DICER1-related conditions. This sequence change replaces glutamic acid, which is acidic and polar, with glycine, which is neutral and non-polar, at codon 1551 of the DICER1 protein (p.Glu1551Gly). This variant is not present in population databases (gnomAD no frequency). ClinVar contains an entry for this variant (Variation ID: 1040976). Algorithms developed to predict the effect of missense changes on protein structure and function (SIFT, PolyPhen-2, Align-GVGD) all suggest that this variant is likely to be disruptive. In summary, the available evidence is currently insufficient to determine the role of this variant in disease. Therefore, it has been classified as a Variant of Uncertain Significance.

NM_177438.3(DICER1):c.4652A>G (p.Glu1551Gly)

Gene: DICER1 (dicer 1, ribonuclease III; minus strand). Cytogenetic location: 14q32.13.
Variant type: single nucleotide variant.
Coding change: c.4652A>G on transcript NM_177438.3 (MANE Select); coding-DNA position 4652, A replaced by G.
Protein change: p.Glu1551Gly; replaces glutamic acid 1551 with glycine.
Molecular consequence: missense variant.
Genome position (GRCh38, 1-based): chr14:95,096,268, T>C on the plus strand (A>G on the coding strand, the complement: DICER1 is on the minus strand). VCF-style: chr14-95096268-T-C. GRCh37 (hg19) VCF-style: chr14-95562605-T-C.
Other names: c.4652A>G, p.Glu1551Gly (NM_001195573.1, NM_001271282.3, NM_001291628.2 and 1 more transcripts); short protein forms E1551G.
Identifiers: ClinVar variation 1040976 (VCV001040976.8), dbSNP rs1890324060, ClinGen allele CA390867604.
Genomic context (GRCh38, chr14:95,096,268, plus strand): 5'-AAATAGCAGCCCAGCAGGGCTTCCACACAGTCCGCTATGCTTTTGTCAGCAATACACTGC[T>C]CAGTGTGCAAGTCGTAAGAAATGGACTGCTTTCCCGTGTCAACACCACAGTTTTCTTCTG-3'
Protein context (NP_803187.1, residues 1541-1561): KQSISYDLHT[Glu1551Gly]QCIADKSIAD